The following is an entry in ClinVar:

NM_153460.4(IL17RC):c.400A>G (p.Thr134Ala)

Gene: IL17RC (interleukin 17 receptor C; plus strand). Cytogenetic location: 3p25.3.
Variant type: single nucleotide variant.
Coding change: c.400A>G on transcript NM_153460.4 (MANE Select); coding-DNA position 400, A replaced by G.
Protein change: p.Thr134Ala; replaces threonine 134 with alanine.
Molecular consequence: missense variant. On other transcripts: non-coding transcript variant (1).
Genome position (GRCh38, 1-based): chr3:9,918,544, A>G. VCF-style: chr3-9918544-A-G. GRCh37 (hg19) VCF-style: chr3-9960228-A-G.
Other names: c.400A>G, p.Thr134Ala (NM_001203263.2, NM_001203264.2, NM_001203265.2 and 4 more transcripts); c.325A>G, p.Thr109Ala (NM_001367279.1); c.613A>G, p.Thr205Ala (NM_153461.4); short protein forms T205A, T134A, T109A.
Identifiers: ClinVar variation 2084953 (VCV002084953.4), dbSNP rs745806904, ClinGen allele CA2246829.
Genomic context (GRCh38, chr3:9,918,544, plus strand): 5'-GCCCTGTTGCCCACAGCCTCTCTCCAGGCCCAAGTCGTGCTCTCCTTCCAGGCCTACCCT[A>G]CTGCCCGCTGCGTCCTGCTGGAGGTGCAAGTGCCTGCTGCCCTTGTGCAGTTTGGTCAGT-3'
Protein context (NP_703190.2, residues 124-144): QVVLSFQAYP[Thr134Ala]ARCVLLEVQV

ClinVar aggregate classification (germline): Uncertain significance (1 of 4 stars; one submission).

Conditions:
Candidiasis, familial, 9 (CANDF9). Identifiers: Orphanet 1334, MedGen C4225324, MONDO:0014642, OMIM 616445.

Allele frequency attached by ClinVar (database versions not stated): gnomAD 0.00001; ExAC 0.00002; TOPMed 0.00002; gnomAD exomes 0.00003.
gnomAD v4.1: 39 of 1,614,018 alleles (0.0024%); highest among the groups gnomAD compares: South Asian, 0.041%; no homozygotes.

Submission:

Labcorp Genetics (formerly Invitae), Labcorp
Classification: Uncertain significance for Candidiasis, familial, 9. Last evaluated: 2023-06-14. Review status: criteria provided, single submitter. Criteria: Invitae Variant Classification Sherloc (09022015). Collection method: clinical testing. Allele origin: germline.
Comment: This sequence change replaces threonine, which is neutral and polar, with alanine, which is neutral and non-polar, at codon 205 of the IL17RC protein (p.Thr205Ala). This variant is present in population databases (rs745806904, gnomAD 0.03%). This variant has not been reported in the literature in individuals affected with IL17RC-related conditions. ClinVar contains an entry for this variant (Variation ID: 2084953). Algorithms developed to predict the effect of missense changes on protein structure and function output the following: SIFT: "Not Available"; PolyPhen-2: "Benign"; Align-GVGD: "Not Available". The alanine amino acid residue is found in multiple mammalian species, which suggests that this missense change does not adversely affect protein function. In summary, the available evidence is currently insufficient to determine the role of this variant in disease. Therefore, it has been classified as a Variant of Uncertain Significance.